The following is an entry in ClinVar:

NM_000719.7(CACNA1C):c.2286_2288del (p.Thr763del)

Gene: CACNA1C (calcium voltage-gated channel subunit alpha1 C; plus strand). Cytogenetic location: 12p13.33.
Variant type: Deletion.
Coding change: c.2286_2288del on transcript NM_000719.7 (MANE Select); coding-DNA positions 2286 to 2288, 3 bases deleted (CAC; older notation c.2286_2288delCAC).
Protein change: p.Thr763del; deletes threonine 763.
Molecular consequence: inframe deletion.
Genome position (GRCh38, 1-based): chr12:2,584,564-2,584,566, CAC deleted. VCF-style (leftmost placement, unchanged base first): chr12-2584563-TCAC-T. GRCh37 (hg19) VCF-style: chr12-2693729-TCAC-T.
Other names: c.2286_2288del, p.Thr763del (NM_001129827.2, NM_001129829.2, NM_001129830.3 and 18 more transcripts); c.2277_2279del, p.Thr760del (NM_001129844.2); short protein forms T763del, T760del.
Identifiers: ClinVar variation 411727 (VCV000411727.10), dbSNP rs1060503445, ClinGen allele CA16614094.

ClinVar aggregate classification (germline): Uncertain significance (1 of 4 stars; one submission).

Conditions:
Long QT syndrome (LQTS). Identifiers: MedGen C0023976, MeSH D008133, MONDO:0002442. Disease mechanism: loss of function. Inheritance: Various modes of inheritance.

Submission:

Labcorp Genetics (formerly Invitae), Labcorp
Classification: Uncertain significance for Long QT syndrome. Last evaluated: 2017-01-05. Review status: criteria provided, single submitter. Criteria: Invitae Variant Classification Sherloc (09022015). Collection method: clinical testing. Allele origin: germline.
Comment: In summary, this variant is a novel in-frame deletion with uncertain impact on protein function. It has been classified as a Variant of Uncertain Significance. Experimental studies and prediction algorithms are not available for this variant, and the functional significance of the deleted amino acid is currently unknown. This variant is not present in population databases (ExAC no frequency) and has not been reported in the literature in individuals with a CACNA1C-related disease. This sequence change deletes 3 nucleotides from exon 16 of the CACNA1C mRNA (c.2286_2288delCAC). This leads to the deletion of 1 amino acid residue in the CACNA1C protein (p.Thr763del) but otherwise preserves the integrity of the reading frame.